The following is an entry in ClinVar:

NM_002519.3(NPAT):c.1525A>G (p.Ile509Val)

Gene: NPAT (nuclear protein, coactivator of histone transcription; minus strand). Cytogenetic location: 11q22.3.
Variant type: single nucleotide variant.
Coding change: c.1525A>G on transcript NM_002519.3 (MANE Select); coding-DNA position 1525, A replaced by G.
Protein change: p.Ile509Val; replaces isoleucine 509 with valine.
Molecular consequence: missense variant.
Genome position (GRCh38, 1-based): chr11:108,173,459, T>C on the plus strand (A>G on the coding strand, the complement: NPAT is on the minus strand). VCF-style: chr11-108173459-T-C. GRCh37 (hg19) VCF-style: chr11-108044186-T-C.
Other names: c.1525A>G, p.Ile509Val (NM_001321307.1); short protein forms I509V.
Identifiers: ClinVar variation 1774512 (VCV001774512.7), dbSNP rs765223725, ClinGen allele CA6263973.

ClinVar aggregate classification (germline): Conflicting classifications of pathogenicity. Review status: criteria provided, conflicting classifications (1 of 4 stars). 2 submissions from 2 submitters: Uncertain significance (1); Likely benign (1). Last evaluated 2023-11-30.

Allele frequency attached by ClinVar (database versions not stated): ExAC 0.00001; gnomAD 0.00001; gnomAD exomes 0.00001; TOPMed 0.00001.
gnomAD v4.1: 17 of 1,614,050 alleles (0.0011%); highest among the groups gnomAD compares: South Asian, 0.0044%; no homozygotes.

Submissions (2):

Labcorp Genetics (formerly Invitae), Labcorp
Classification: Uncertain significance. Last evaluated: 2023-11-30. Review status: criteria provided, single submitter. Criteria: Invitae Variant Classification Sherloc (09022015). Collection method: clinical testing. Allele origin: germline.
Comment: This sequence change replaces isoleucine, which is neutral and non-polar, with valine, which is neutral and non-polar, at codon 509 of the NPAT protein (p.Ile509Val). This variant is present in population databases (rs765223725, gnomAD 0.004%). This variant has not been reported in the literature in individuals affected with NPAT-related conditions. ClinVar contains an entry for this variant (Variation ID: 1774512). Algorithms developed to predict the effect of missense changes on protein structure and function output the following: SIFT: "Not Available"; PolyPhen-2: "Benign"; Align-GVGD: "Not Available". The valine amino acid residue is found in multiple mammalian species, which suggests that this missense change does not adversely affect protein function. In summary, the available evidence is currently insufficient to determine the role of this variant in disease. Therefore, it has been classified as a Variant of Uncertain Significance.

Ambry Genetics
Classification: Likely benign. Last evaluated: 2022-10-17. Review status: criteria provided, single submitter. Criteria: Ambry Variant Classification Scheme 2023. Collection method: clinical testing. Allele origin: germline.